The following is an entry in ClinVar:

ClinVar aggregate classification (germline): Uncertain significance. Review status: criteria provided, multiple submitters, no conflicts (2 of 4 stars). 2 submissions from 2 submitters: Uncertain significance (2). Last evaluated 2023-09-20.

Conditions:
Inborn genetic diseases. Identifiers: MedGen C0950123, MeSH D030342.

Allele frequency attached by ClinVar (database versions not stated): gnomAD exomes below 0.00001.

Submissions (2):

Ambry Genetics
Classification: Uncertain significance for Inborn genetic diseases. Last evaluated: 2023-09-20. Review status: criteria provided, single submitter. Criteria: Ambry Variant Classification Scheme 2023. Collection method: clinical testing. Allele origin: germline.

GeneDx
Classification: Uncertain significance. Last evaluated: 2016-11-22. Review status: criteria provided, single submitter. Criteria: GeneDx Variant Classification (06012015). Collection method: clinical testing. Allele origin: germline. Affected: yes.
Comment: The A454T variant in the PRKCD gene has not been reported previously as a pathogenic variant, nor as a benign variant, to our knowledge. The A454T variant was not observed in approximately 6,500 individuals of European and African American ancestry in the NHLBI Exome Sequencing Project, indicating it is not a common benign variant in these populations. The A454T variant is a non-conservative amino acid substitution, which is likely to impact secondary protein structure as these residues differ in polarity, charge, size and/or other properties. This substitution occurs at a position that is not conserved. In silico analysis predicts this variant is probably damaging to the protein structure/function. We interpret A454T as a variant of uncertain significance.

NM_006254.4(PRKCD):c.1360G>A (p.Ala454Thr)

Gene: PRKCD (protein kinase C delta; plus strand). Cytogenetic location: 3p21.1.
Variant type: single nucleotide variant.
Coding change: c.1360G>A on transcript NM_006254.4 (MANE Select); coding-DNA position 1360, G replaced by A.
Protein change: p.Ala454Thr; replaces alanine 454 with threonine.
Molecular consequence: missense variant.
Genome position (GRCh38, 1-based): chr3:53,187,347, G>A. VCF-style: chr3-53187347-G-A. GRCh37 (hg19) VCF-style: chr3-53221363-G-A.
Other names: c.1360G>A, p.Ala454Thr (LRG_1327t1, NM_001316327.2, NM_001354679.2 and 2 more transcripts); c.1417G>A, p.Ala473Thr (NM_001354676.2); c.1408G>A, p.Ala470Thr (NM_001354678.2); short protein forms A454T, A470T, A473T.
Identifiers: ClinVar variation 373396 (VCV000373396.2), dbSNP rs1057518393, ClinGen allele CA16042539.